The following is an entry in ClinVar:

ClinVar aggregate classification (germline): Likely benign (1 of 4 stars; one submission).

gnomAD v4.1: 49 of 1,613,752 alleles (0.003%); highest among the groups gnomAD compares: African/African-American, 0.027%; no homozygotes.

Submission:

CeGaT Center for Human Genetics Tuebingen
Classification: Likely benign. Last evaluated: 2026-06-01. Review status: criteria provided, single submitter. Criteria: CeGaT Center For Human Genetics Tuebingen Variant Classification Criteria Version 2. Collection method: clinical testing. Allele origin: germline. Affected: yes. Observed: 2 variant alleles.
Comment: GABRA5: BP4, BP7

NM_000810.4(GABRA5):c.1305C>A (p.Val435=)

Gene: GABRA5 (gamma-aminobutyric acid type A receptor subunit alpha5; plus strand). Cytogenetic location: 15q12.
Variant type: single nucleotide variant.
Coding change: c.1305C>A on transcript NM_000810.4 (MANE Select); coding-DNA position 1305, C replaced by A.
Protein change: p.Val435=; no amino-acid change (valine 435 retained).
Molecular consequence: synonymous variant.
Genome position (GRCh38, 1-based): chr15:26,948,149, C>A. VCF-style: chr15-26948149-C-A. GRCh37 (hg19) VCF-style: chr15-27193296-C-A.
Other names: c.1305C>A, p.Val435= (NM_001165037.2).
Identifiers: ClinVar variation 4085368 (VCV004085368.8).